The following is an entry in ClinVar:

NM_015001.3(SPEN):c.7715C>T (p.Pro2572Leu)

Gene: SPEN (spen family transcriptional repressor; plus strand). Cytogenetic location: 1p36.13.
Variant type: single nucleotide variant.
Coding change: c.7715C>T on transcript NM_015001.3 (MANE Select); coding-DNA position 7715, C replaced by T.
Protein change: p.Pro2572Leu; replaces proline 2572 with leucine.
Molecular consequence: missense variant.
Genome position (GRCh38, 1-based): chr1:15,933,955, C>T. VCF-style: chr1-15933955-C-T. GRCh37 (hg19) VCF-style: chr1-16260450-C-T.
Other names: short protein forms P2572L.
Identifiers: ClinVar variation 3168956 (VCV003168956.6), dbSNP rs539910371, ClinGen allele CA620149.

ClinVar aggregate classification (germline): Likely benign. Review status: criteria provided, multiple submitters, no conflicts (2 of 4 stars). 2 submissions from 2 submitters: Likely benign (2). Last evaluated 2025-12-01.

Conditions:
Inborn genetic diseases. Identifiers: MedGen C0950123, MeSH D030342.

Allele frequency attached by ClinVar (database versions not stated): gnomAD exomes 0.00002; gnomAD 0.00003; ExAC 0.00006; TOPMed 0.00006; 1000 Genomes Project 30x 0.00016; 1000 Genomes Project 0.00020.
gnomAD v4.1: 31 of 1,613,924 alleles (0.0019%); highest among the groups gnomAD compares: Middle Eastern, 0.016%; no homozygotes.

Submissions (2):

CeGaT Center for Human Genetics Tuebingen
Classification: Likely benign. Last evaluated: 2025-12-01. Review status: criteria provided, single submitter. Criteria: CeGaT Center For Human Genetics Tuebingen Variant Classification Criteria Version 2. Collection method: clinical testing. Allele origin: germline. Affected: yes. Observed: 1 variant allele.
Comment: SPEN: BP4

Ambry Genetics
Classification: Likely benign for Inborn genetic diseases. Last evaluated: 2024-03-04. Review status: criteria provided, single submitter. Criteria: Ambry Variant Classification Scheme 2023. Collection method: clinical testing. Allele origin: germline.